The following is an entry in ClinVar:

NM_000143.4(FH):c.1361T>C (p.Met454Thr)

Gene: FH (fumarate hydratase; minus strand). Cytogenetic location: 1q43.
Variant type: single nucleotide variant.
Coding change: c.1361T>C on transcript NM_000143.4 (MANE Select); coding-DNA position 1361, T replaced by C.
Protein change: p.Met454Thr; replaces methionine 454 with threonine.
Molecular consequence: missense variant.
Genome position (GRCh38, 1-based): chr1:241,500,466, A>G on the plus strand (T>C on the coding strand, the complement: FH is on the minus strand). VCF-style: chr1-241500466-A-G. GRCh37 (hg19) VCF-style: chr1-241663766-A-G.
Other names: short protein forms M454T.
Identifiers: ClinVar variation 1058216 (VCV001058216.9), dbSNP rs1353763695, ClinGen allele CA345436395.

ClinVar aggregate classification (germline): Uncertain significance (1 of 4 stars; one submission).

Submission:

Labcorp Genetics (formerly Invitae), Labcorp
Classification: Uncertain significance. Last evaluated: 2025-04-14. Review status: criteria provided, single submitter. Criteria: Invitae Variant Classification Sherloc (09022015). Collection method: clinical testing. Allele origin: germline.
Comment: This sequence change replaces methionine, which is neutral and non-polar, with threonine, which is neutral and polar, at codon 454 of the FH protein (p.Met454Thr). This variant is not present in population databases (gnomAD no frequency). This variant has not been reported in the literature in individuals affected with FH-related conditions. ClinVar contains an entry for this variant (Variation ID: 1058216). Invitae Evidence Modeling of protein sequence and biophysical properties (such as structural, functional, and spatial information, amino acid conservation, physicochemical variation, residue mobility, and thermodynamic stability) indicates that this missense variant is expected to disrupt FH protein function with a positive predictive value of 95%. In summary, the available evidence is currently insufficient to determine the role of this variant in disease. Therefore, it has been classified as a Variant of Uncertain Significance.